The following is an entry in ClinVar:

NM_004369.4(COL6A3):c.2899G>A (p.Gly967Arg)

Gene: COL6A3 (collagen type VI alpha 3 chain; minus strand). Cytogenetic location: 2q37.3.
Variant type: single nucleotide variant.
Coding change: c.2899G>A on transcript NM_004369.4 (MANE Select); coding-DNA position 2899, G replaced by A.
Protein change: p.Gly967Arg; replaces glycine 967 with arginine.
Molecular consequence: missense variant.
Genome position (GRCh38, 1-based): chr2:237,376,943, C>T on the plus strand (G>A on the coding strand, the complement: COL6A3 is on the minus strand). VCF-style: chr2-237376943-C-T. GRCh37 (hg19) VCF-style: chr2-238285586-C-T.
Other names: c.1678G>A, p.Gly560Arg (NM_057164.5); c.2281G>A, p.Gly761Arg (NM_057165.5, NM_057167.4); c.1078G>A, p.Gly360Arg (NM_057166.5); short protein forms G761R, G560R, G967R, G360R.
Identifiers: ClinVar variation 2181713 (VCV002181713.28), dbSNP rs2469913339, ClinGen allele CA351209030.
Genomic context (GRCh38, chr2:237,376,943, plus strand): 5'-CGATCTGCTCTAACTCAGCAGGGTCTGCGTTCTTGGCTTGGAAGATGAAAGGCACAACCC[C>T]ACTCTGCTTCAGGTTACTTGCTGGCCCATCCACACGGTCAGATGACCTTCCTGCGACCAG-3'
Protein context (NP_004360.2, residues 957-977): DGPASNLKQS[Gly967Arg]VVPFIFQAKN

ClinVar aggregate classification (germline): Uncertain significance. Review status: criteria provided, multiple submitters, no conflicts (2 of 4 stars). 2 submissions from 2 submitters: Uncertain significance (2). Last evaluated 2024-11-05.

Conditions:
Bethlem myopathy 1A. Also called: MYOPATHY, BENIGN CONGENITAL, WITH CONTRACTURES; Bethlem Muscular Dystrophy; Bethlem myopathy 1. Identifiers: Orphanet 610, MedGen CN029274, MONDO:0024530, OMIM 158810.

Submissions (2):

Labcorp Genetics (formerly Invitae), Labcorp
Classification: Uncertain significance for Bethlem myopathy 1A. Last evaluated: 2024-11-05. Review status: criteria provided, single submitter. Criteria: Invitae Variant Classification Sherloc (09022015). Collection method: clinical testing. Allele origin: germline.
Comment: This sequence change replaces glycine, which is neutral and non-polar, with arginine, which is basic and polar, at codon 967 of the COL6A3 protein (p.Gly967Arg). This variant is not present in population databases (gnomAD no frequency). This variant has not been reported in the literature in individuals affected with COL6A3-related conditions. ClinVar contains an entry for this variant (Variation ID: 2181713). Invitae Evidence Modeling of protein sequence and biophysical properties (such as structural, functional, and spatial information, amino acid conservation, physicochemical variation, residue mobility, and thermodynamic stability) indicates that this missense variant is expected to disrupt COL6A3 protein function with a positive predictive value of 80%. In summary, the available evidence is currently insufficient to determine the role of this variant in disease. Therefore, it has been classified as a Variant of Uncertain Significance.

CeGaT Center for Human Genetics Tuebingen
Classification: Uncertain significance. Last evaluated: 2022-12-01. Review status: criteria provided, single submitter. Criteria: CeGaT Center For Human Genetics Tuebingen Variant Classification Criteria Version 2. Collection method: clinical testing. Allele origin: germline. Affected: yes. Observed: 1 variant allele.
Comment: COL6A3: PM2, BP4